The following is an entry in ClinVar:

ClinVar aggregate classification (germline): Conflicting classifications of pathogenicity. Review status: criteria provided, conflicting classifications (1 of 4 stars). 3 submissions from 3 submitters: Uncertain significance (2); Likely benign (1). Last evaluated 2024-10-28.

Conditions:
Alstrom syndrome (ALMS). Identifiers: Orphanet 64, MedGen C0268425, MONDO:0008763, OMIM 203800.
Cardiovascular phenotype. Identifiers: MedGen CN230736.

Allele frequency attached by ClinVar (database versions not stated): gnomAD 0.00001; gnomAD exomes 0.00002 and 0.00005; TOPMed 0.00002.
gnomAD v4.1: 77 of 1,613,912 alleles (0.0048%); highest among the groups gnomAD compares: Non-Finnish European, 0.0064%; no homozygotes.

Submissions (3):

Labcorp Genetics (formerly Invitae), Labcorp
Classification: Uncertain significance for Alstrom syndrome. Last evaluated: 2024-10-28. Review status: criteria provided, single submitter. Criteria: Invitae Variant Classification Sherloc (09022015). Collection method: clinical testing. Allele origin: germline.
Comment: This sequence change replaces arginine, which is basic and polar, with glycine, which is neutral and non-polar, at codon 1810 of the ALMS1 protein (p.Arg1810Gly). This variant is present in population databases (no rsID available, gnomAD 0.003%). This variant has not been reported in the literature in individuals affected with ALMS1-related conditions. ClinVar contains an entry for this variant (Variation ID: 1431444). An algorithm developed to predict the effect of missense changes on protein structure and function outputs the following: PolyPhen-2: "Not Available". The glycine amino acid residue is found in multiple mammalian species, which suggests that this missense change does not adversely affect protein function. In summary, the available evidence is currently insufficient to determine the role of this variant in disease. Therefore, it has been classified as a Variant of Uncertain Significance.

Ambry Genetics
Classification: Likely benign for Cardiovascular phenotype. Last evaluated: 2024-09-17. Review status: criteria provided, single submitter. Criteria: Ambry Variant Classification Scheme 2023. Collection method: clinical testing. Allele origin: germline.

Fulgent Genetics
Classification: Uncertain significance for Alstrom syndrome. Last evaluated: 2022-02-03. Review status: criteria provided, single submitter. Criteria: ACMG Guidelines, 2015. Collection method: clinical testing. Allele origin: unknown.

NM_001378454.1(ALMS1):c.5425A>G (p.Arg1809Gly)

Gene: ALMS1 (ALMS1 centrosome and basal body associated protein; plus strand). Cytogenetic location: 2p13.1.
Variant type: single nucleotide variant.
Coding change: c.5425A>G on transcript NM_001378454.1 (MANE Select); coding-DNA position 5425, A replaced by G.
Protein change: p.Arg1809Gly; replaces arginine 1809 with glycine.
Molecular consequence: missense variant.
Genome position (GRCh38, 1-based): chr2:73,451,952, A>G. VCF-style: chr2-73451952-A-G. GRCh37 (hg19) VCF-style: chr2-73679079-A-G.
Other names: c.5428A>G, p.Arg1810Gly (NM_015120.4); short protein forms R1809G, R1810G.
Identifiers: ClinVar variation 1431444 (VCV001431444.6), dbSNP rs1257660889, ClinGen allele CA347282057.
Genomic context (GRCh38, chr2:73,451,952, plus strand): 5'-CCTGGACCAGCTGACCAGAAGACTGGGGTATCAACAGTAACCTCTACTTCCTACTCACAC[A>G]GAGAGAAGCCCATTGTTTCCTACCAGCGAGAGTTGCCGCATTTTACTGAAGCAGGTTTGA-3'
Protein context (NP_001365383.1, residues 1799-1819): STVTSTSYSH[Arg1809Gly]EKPIVSYQRE